The following is an entry in ClinVar:

ClinVar aggregate classification (germline): Conflicting classifications of pathogenicity. Review status: criteria provided, conflicting classifications (1 of 4 stars). 2 submissions from 2 submitters: Uncertain significance (1); Likely benign (1). Last evaluated 2024-08-11.

Conditions:
Norman-Roberts syndrome (LIS2). Also called: Lissencephaly 2 (Norman-Roberts type). Identifiers: Orphanet 89844, MedGen C0796089, MONDO:0009760, OMIM 257320.
Familial temporal lobe epilepsy 7. Identifiers: Orphanet 101046, MedGen C4225327, MONDO:0014639, OMIM 616436.

gnomAD v4.1: 8 of 1,613,984 alleles (0.0005%); highest among the groups gnomAD compares: South Asian, 0.0088%; no homozygotes.

Submissions (2):

Labcorp Genetics (formerly Invitae), Labcorp
Classification: Uncertain significance for Familial temporal lobe epilepsy 7; Norman-Roberts syndrome. Last evaluated: 2024-08-11. Review status: criteria provided, single submitter. Criteria: Invitae Variant Classification Sherloc (09022015). Collection method: clinical testing. Allele origin: germline.
Comment: This sequence change falls in intron 29 of the RELN gene. It does not directly change the encoded amino acid sequence of the RELN protein. It affects a nucleotide within the consensus splice site. This variant is present in population databases (rs753625585, gnomAD 0.02%). This variant has not been reported in the literature in individuals affected with RELN-related conditions. Variants that disrupt the consensus splice site are a relatively common cause of aberrant splicing (PMID: 17576681, 9536098). Algorithms developed to predict the effect of sequence changes on RNA splicing suggest that this variant is not likely to affect RNA splicing. In summary, the available evidence is currently insufficient to determine the role of this variant in disease. Therefore, it has been classified as a Variant of Uncertain Significance.

Blueprint Genetics
Classification: Likely benign. Last evaluated: 2022-01-13. Review status: criteria provided, single submitter. Criteria: ACMG Guidelines, 2015. Collection method: clinical testing. Allele origin: germline.

Literature cited by the submitters: PubMed 17576681 (cited by Labcorp Genetics (formerly Invitae), Labcorp); PubMed 9536098 (cited by Labcorp Genetics (formerly Invitae), Labcorp).

NM_005045.4(RELN):c.4303+3A>G

Gene: RELN (reelin; minus strand). Cytogenetic location: 7q22.1.
Variant type: single nucleotide variant.
Coding change: c.4303+3A>G on transcript NM_005045.4 (MANE Select); 3 bases into the intron after coding-DNA position 4303, A replaced by G.
Molecular consequence: intron variant.
Genome position (GRCh38, 1-based): chr7:103,575,545, T>C on the plus strand (A>G on the coding strand, the complement: RELN is on the minus strand). VCF-style: chr7-103575545-T-C. GRCh37 (hg19) VCF-style: chr7-103215992-T-C.
Other names: c.4303+3A>G (NM_173054.3).
Identifiers: ClinVar variation 3763112 (VCV003763112.3).
Genomic context (GRCh38, chr7:103,575,545, plus strand): 5'-AACACAGCAACTAGAGATGACTATTTTACAATAAAACCCTCAGACACATGTATTTAGCCT[T>C]ACCAGTATATCCCAGGTCACAGAAACACACTCCTGAAATGCAGTCCCCATGGCCACTGCA-3'